The following is an entry in ClinVar:

ClinVar aggregate classification (germline): Uncertain significance (1 of 4 stars; one submission).

Conditions:
Ichthyosis linearis circumflexa. Identifiers: MedGen C0265962, MONDO:0043106, HP:0025810.

Submission:

Labcorp Genetics (formerly Invitae), Labcorp
Classification: Uncertain significance for Ichthyosis linearis circumflexa. Last evaluated: 2023-12-26. Review status: criteria provided, single submitter. Criteria: Invitae Variant Classification Sherloc (09022015). Collection method: clinical testing. Allele origin: germline.
Comment: This sequence change replaces glutamic acid, which is acidic and polar, with glycine, which is neutral and non-polar, at codon 902 of the SPINK5 protein (p.Glu902Gly). This variant is not present in population databases (gnomAD no frequency). This variant has not been reported in the literature in individuals affected with SPINK5-related conditions. Advanced modeling of protein sequence and biophysical properties (such as structural, functional, and spatial information, amino acid conservation, physicochemical variation, residue mobility, and thermodynamic stability) performed at Invitae indicates that this missense variant is not expected to disrupt SPINK5 protein function with a negative predictive value of 80%. Algorithms developed to predict the effect of sequence changes on RNA splicing suggest that this variant may disrupt the consensus splice site. In summary, the available evidence is currently insufficient to determine the role of this variant in disease. Therefore, it has been classified as a Variant of Uncertain Significance.

NM_006846.4(SPINK5):c.2705A>G (p.Glu902Gly)

Gene: SPINK5 (serine peptidase inhibitor Kazal type 5; plus strand). Cytogenetic location: 5q32.
Variant type: single nucleotide variant.
Coding change: c.2705A>G on transcript NM_006846.4 (MANE Select); coding-DNA position 2705, A replaced by G.
Protein change: p.Glu902Gly; replaces glutamic acid 902 with glycine.
Molecular consequence: missense variant.
Genome position (GRCh38, 1-based): chr5:148,124,803, A>G. VCF-style: chr5-148124803-A-G. GRCh37 (hg19) VCF-style: chr5-147504366-A-G.
Other names: c.2705A>G, p.Glu902Gly (NM_001127698.2, NM_001127699.2); short protein forms E902G.
Identifiers: ClinVar variation 2975078 (VCV002975078.3), dbSNP rs2531804469, ClinGen allele CA361648320.